The following is an entry in ClinVar:

NM_005219.5(DIAPH1):c.3809G>A (p.Arg1270His)

Gene: DIAPH1 (diaphanous related formin 1; minus strand). Cytogenetic location: 5q31.3.
Variant type: single nucleotide variant.
Coding change: c.3809G>A on transcript NM_005219.5 (MANE Select); coding-DNA position 3809, G replaced by A.
Protein change: p.Arg1270His; replaces arginine 1270 with histidine.
Molecular consequence: missense variant. On other transcripts: 3 prime UTR variant (1).
Genome position (GRCh38, 1-based): chr5:141,516,861, C>T on the plus strand (G>A on the coding strand, the complement: DIAPH1 is on the minus strand). VCF-style: chr5-141516861-C-T. GRCh37 (hg19) VCF-style: chr5-140896428-C-T.
Other names: c.3782G>A, p.Arg1261His (NM_001079812.3); c.*109G>A (NM_001314007.2); short protein forms R1261H, R1270H.
Identifiers: ClinVar variation 542360 (VCV000542360.11), dbSNP rs371664456, ClinGen allele CA3478658.
Genomic context (GRCh38, chr5:141,516,861, plus strand): 5'-AGGACAGTCTGCGGCTCCGCTGAGGAGCTGCCGCGGTCACAGGACCCACATTAGCTTGCA[C>T]GGCCAACCAACTCCTTGGCTTCCTCAAGGATTGTGGGGAATGTCTCACTGTTCTTGGACA-3'
Protein context (NP_005210.3, residues 1260-1272): ILEEAKELVG[Arg1270His]AS

ClinVar aggregate classification (germline): Uncertain significance. Review status: criteria provided, multiple submitters, no conflicts (2 of 4 stars). 4 submissions from 4 submitters: Uncertain significance (4). Last evaluated 2025-11-08.

Conditions:
Progressive microcephaly-seizures-cortical blindness-developmental delay syndrome. Also called: Seizures, cortical blindness, and microcephaly syndrome. Identifiers: Orphanet 477814, MedGen C5567650, MONDO:0014714, OMIM 616632.
Autosomal dominant nonsyndromic hearing loss 1. Also called: DEAFNESS, AUTOSOMAL DOMINANT 1, WITH OR WITHOUT THROMBOCYTOPENIA; KONIGSMARK SYNDROME. Identifiers: Orphanet 90635, MedGen C1852282, MONDO:0007424, OMIM 124900.
Inborn genetic diseases. Identifiers: MedGen C0950123, MeSH D030342.

Allele frequency attached by ClinVar (database versions not stated): gnomAD 0.00003 and 0.00004; TOPMed 0.00003; ESP Exome Variant Server 0.00008.
gnomAD v4.1: 56 of 1,614,042 alleles (0.0035%); highest among the groups gnomAD compares: Non-Finnish European, 0.0042%; no homozygotes.

Submissions (4):

Labcorp Genetics (formerly Invitae), Labcorp
Classification: Uncertain significance for Progressive microcephaly-seizures-cortical blindness-developmental delay syndrome; Autosomal dominant nonsyndromic hearing loss 1. Last evaluated: 2025-11-08. Review status: criteria provided, single submitter. Criteria: Invitae Variant Classification Sherloc (09022015). Collection method: clinical testing. Allele origin: germline.
Comment: This sequence change replaces arginine, which is basic and polar, with histidine, which is basic and polar, at codon 1270 of the DIAPH1 protein (p.Arg1270His). This variant is present in population databases (rs371664456, gnomAD 0.006%). This variant has not been reported in the literature in individuals affected with DIAPH1-related conditions. ClinVar contains an entry for this variant (Variation ID: 542360). An algorithm developed to predict the effect of missense changes on protein structure and function (PolyPhen-2) suggests that this variant is likely to be disruptive. In summary, the available evidence is currently insufficient to determine the role of this variant in disease. Therefore, it has been classified as a Variant of Uncertain Significance.

Ambry Genetics
Classification: Uncertain significance for Inborn genetic diseases. Last evaluated: 2024-12-09. Review status: criteria provided, single submitter. Criteria: Ambry Variant Classification Scheme 2023. Collection method: clinical testing. Allele origin: germline.

Blueprint Genetics
Classification: Uncertain significance. Last evaluated: 2024-09-06. Review status: criteria provided, single submitter. Criteria: ACMG Guidelines, 2015. Collection method: clinical testing. Allele origin: germline.

GeneDx
Classification: Uncertain significance. Last evaluated: 2023-05-25. Review status: criteria provided, single submitter. Criteria: GeneDx Variant Classification Process June 2021. Collection method: clinical testing. Allele origin: germline. Affected: yes.
Comment: In silico analysis supports that this missense variant does not alter protein structure/function; Has not been previously published as pathogenic or benign to our knowledge